The following is an entry in ClinVar:

ClinVar aggregate classification (germline): Likely pathogenic (1 of 4 stars; one submission).

Submission:

Dasa
Classification: Likely pathogenic. Last evaluated: 2025-05-09. Review status: criteria provided, single submitter. Criteria: DASA Assertion Criteria. Collection method: clinical testing. Allele origin: germline.
Comment: NM_006516.4(SLC2A1):c.418del (p.Val140Cysfs*51) is a frameshift variant in SLC2A1 predicted to alter the reading frame and introduce a premature termination codon and is predicted to result in an absent or altered protein product. Loss of function is an established disease mechanism for SLC2A1 (PMID: 10980529; PMID: 25532859; PMID: 25564316). Also, this variant is absent from population databases. Based on the currently available evidence, this variant is classified as likely pathogenic.

Literature cited by the submitters: PubMed 10980529; PubMed 25532859; PubMed 25564316.

NM_006516.4(SLC2A1):c.418del (p.Val140fs)

Gene: SLC2A1 (solute carrier family 2 member 1; minus strand). Cytogenetic location: 1p34.2.
Variant type: Deletion.
Coding change: c.418del on transcript NM_006516.4 (MANE Select); coding-DNA position 418, one base deleted (G; older notation c.418delG).
Protein change: p.Val140fs; shifts the reading frame from valine 140.
Molecular consequence: frameshift variant.
Genome position (GRCh38, 1-based): chr1:42,930,724, C deleted on the plus strand (G on the coding strand, the reverse complement: SLC2A1 is on the minus strand). VCF-style (leftmost placement, unchanged base first): chr1-42930723-AC-A. GRCh37 (hg19) VCF-style: chr1-43396394-AC-A.
Other names: short protein forms V140fs.
Identifiers: ClinVar variation 4880515 (VCV004880515.2).
Genomic context (GRCh38, chr1:42,930,723, plus strand): 5'-TGCAGGGTGCCCAGGGCCCCACGAAGGGCTGTGGGTGACACTTCACCCACATACATGGGC[AC>A]GAAGCCTGTGGTCAGGCCGCAGTACACACCGATGATGAAGCGGCCCAGGATCAGCATCTC-3'